The following is an entry in ClinVar:

NM_005751.5(AKAP9):c.7174A>G (p.Ile2392Val)

Gene: AKAP9 (A-kinase anchoring protein 9; plus strand). Cytogenetic location: 7q21.2.
Variant type: single nucleotide variant.
Coding change: c.7174A>G on transcript NM_005751.5 (MANE Select); coding-DNA position 7174, A replaced by G.
Protein change: p.Ile2392Val; replaces isoleucine 2392 with valine.
Molecular consequence: missense variant.
Genome position (GRCh38, 1-based): chr7:92,079,307, A>G. VCF-style: chr7-92079307-A-G. GRCh37 (hg19) VCF-style: chr7-91708621-A-G.
Other names: c.1819A>G, p.Ile607Val (NM_001379277.1); c.7150A>G, p.Ile2384Val (NM_147185.3); short protein forms I2384V, I2392V, I607V.
Identifiers: ClinVar variation 3373562 (VCV003373562.1).

ClinVar aggregate classification (germline): Uncertain significance (1 of 4 stars; one submission).

Submission:

GeneDx
Classification: Uncertain significance. Last evaluated: 2024-03-01. Review status: criteria provided, single submitter. Criteria: GeneDx Variant Classification Process June 2021. Collection method: clinical testing. Allele origin: germline. Affected: yes.
Comment: Not observed at significant frequency in large population cohorts (gnomAD); In silico analysis supports that this missense variant does not alter protein structure/function; Has not been previously published as pathogenic or benign to our knowledge